The following is an entry in ClinVar:

ClinVar aggregate classification (germline): Uncertain significance (1 of 4 stars; one submission).

Conditions:
Familial meningioma. Also called: Meningioma, familial, susceptibility to. Identifiers: Orphanet 263662, MedGen C3551915, MONDO:0011789, OMIM 607174.

Submission:

Labcorp Genetics (formerly Invitae), Labcorp
Classification: Uncertain significance for Familial meningioma. Last evaluated: 2021-05-20. Review status: criteria provided, single submitter. Criteria: Invitae Variant Classification Sherloc (09022015). Collection method: clinical testing. Allele origin: germline.
Comment: In summary, the available evidence is currently insufficient to determine the role of this variant in disease. Therefore, it has been classified as a Variant of Uncertain Significance. Algorithms developed to predict the effect of missense changes on protein structure and function are either unavailable or do not agree on the potential impact of this missense change (SIFT: "Tolerated"; PolyPhen-2: "Possibly Damaging"; Align-GVGD: "Class C0"). This variant has not been reported in the literature in individuals with SMARCE1-related conditions. This variant is not present in population databases (ExAC no frequency). This sequence change replaces glutamic acid with lysine at codon 344 of the SMARCE1 protein (p.Glu344Lys). The glutamic acid residue is moderately conserved and there is a small physicochemical difference between glutamic acid and lysine.

NM_003079.5(SMARCE1):c.1030G>A (p.Glu344Lys)

Gene: SMARCE1 (SWI/SNF related BAF chromatin remodeling complex subunit E1; minus strand). Cytogenetic location: 17q21.2.
Variant type: single nucleotide variant.
Coding change: c.1030G>A on transcript NM_003079.5 (MANE Select); coding-DNA position 1030, G replaced by A.
Protein change: p.Glu344Lys; replaces glutamic acid 344 with lysine.
Molecular consequence: missense variant.
Genome position (GRCh38, 1-based): chr17:40,628,991, C>T on the plus strand (G>A on the coding strand, the complement: SMARCE1 is on the minus strand). VCF-style: chr17-40628991-C-T. GRCh37 (hg19) VCF-style: chr17-38785243-C-T.
Other names: short protein forms E344K.
Identifiers: ClinVar variation 1418130 (VCV001418130.8), dbSNP rs1413261743, ClinGen allele CA399361881.